The following is an entry in ClinVar:

ClinVar aggregate classification (germline): Uncertain significance (1 of 4 stars; one submission).

Conditions:
ASXL3-related disorder. Also called: ASXL3-related condition. Identifiers: MedGen CN381524.

Submission:

PreventionGenetics, part of Exact Sciences
Classification: Uncertain significance for ASXL3-related condition. Last evaluated: 2025-05-31. Review status: criteria provided, single submitter. Criteria: ACMG Guidelines, 2015. Collection method: clinical testing. Allele origin: germline.
Comment: The ASXL3 c.2167C>G variant is predicted to result in the amino acid substitution p.Pro723Ala. To our knowledge, this variant has not been reported in the literature or in a large population database (gnomAD), indicating this variant is rare. At this time, the clinical significance of this variant is uncertain due to the absence of conclusive functional and genetic evidence.

NM_030632.3(ASXL3):c.2167C>G (p.Pro723Ala)

Gene: ASXL3 (ASXL transcriptional regulator 3; plus strand). Cytogenetic location: 18q12.1.
Variant type: single nucleotide variant.
Coding change: c.2167C>G on transcript NM_030632.3 (MANE Select); coding-DNA position 2167, C replaced by G.
Protein change: p.Pro723Ala; replaces proline 723 with alanine.
Molecular consequence: missense variant.
Genome position (GRCh38, 1-based): chr18:33,739,571, C>G. VCF-style: chr18-33739571-C-G. GRCh37 (hg19) VCF-style: chr18-31319535-C-G.
Other names: short protein forms P723A.
Identifiers: ClinVar variation 4977506 (VCV004977506.1).